The following is an entry in ClinVar:

NM_016213.5(TRIP4):c.136C>T (p.Arg46Ter)

Gene: TRIP4 (thyroid hormone receptor interactor 4; plus strand). Cytogenetic location: 15q22.31.
Variant type: single nucleotide variant.
Coding change: c.136C>T on transcript NM_016213.5 (MANE Select); coding-DNA position 136, C replaced by T.
Protein change: p.Arg46Ter; replaces arginine 46 with a stop codon.
Molecular consequence: nonsense. On other transcripts: 5 prime UTR variant (1), non-coding transcript variant (1).
Genome position (GRCh38, 1-based): chr15:64,393,980, C>T. VCF-style: chr15-64393980-C-T. GRCh37 (hg19) VCF-style: chr15-64686179-C-T.
Other names: c.-555C>T (NM_001321924.2); short protein forms R46*.
Identifiers: ClinVar variation 2907549 (VCV002907549.3), dbSNP rs553667435, ClinGen allele CA7609298.

ClinVar aggregate classification (germline): Pathogenic (1 of 4 stars; one submission).

gnomAD v4.1: 12 of 1,605,424 alleles (0.00075%); highest among the groups gnomAD compares: South Asian, 0.0022%; no homozygotes.

Submission:

Labcorp Genetics (formerly Invitae), Labcorp
Classification: Pathogenic. Last evaluated: 2024-08-27. Review status: criteria provided, single submitter. Criteria: Invitae Variant Classification Sherloc (09022015). Collection method: clinical testing. Allele origin: germline.
Comment: This sequence change creates a premature translational stop signal (p.Arg46*) in the TRIP4 gene. It is expected to result in an absent or disrupted protein product. Loss-of-function variants in TRIP4 are known to be pathogenic (PMID: 26924529, 27008887). This variant is present in population databases (rs553667435, gnomAD 0.003%). This variant has not been reported in the literature in individuals affected with TRIP4-related conditions. Algorithms developed to predict the effect of sequence changes on RNA splicing suggest that this variant may disrupt the consensus splice site. For these reasons, this variant has been classified as Pathogenic.

Literature cited by the submitters: PubMed 26924529; PubMed 27008887.